The following is an entry in ClinVar:

NM_004036.5(ADCY3):c.2948C>T (p.Ala983Val)

Gene: ADCY3 (adenylate cyclase 3; minus strand). Cytogenetic location: 2p23.3.
Variant type: single nucleotide variant.
Coding change: c.2948C>T on transcript NM_004036.5 (MANE Select); coding-DNA position 2948, C replaced by T.
Protein change: p.Ala983Val; replaces alanine 983 with valine.
Molecular consequence: missense variant.
Genome position (GRCh38, 1-based): chr2:24,822,566, G>A on the plus strand (C>T on the coding strand, the complement: ADCY3 is on the minus strand). VCF-style: chr2-24822566-G-A. GRCh37 (hg19) VCF-style: chr2-25045435-G-A.
Other names: c.2951C>T, p.Ala984Val (NM_001320613.2); c.3014C>T, p.Ala1005Val (NM_001377128.1); c.2810C>T, p.Ala937Val (NM_001377129.1); c.2396C>T, p.Ala799Val (NM_001377130.1); c.2225C>T, p.Ala742Val (NM_001377131.1); c.2948C>T, p.Ala983Val (NM_001377132.1); short protein forms A984V, A1005V, A937V, A983V, A742V, A799V.
Identifiers: ClinVar variation 4993647 (VCV004993647.1).

ClinVar aggregate classification (germline): Uncertain significance (1 of 4 stars; one submission).

Conditions:
ADCY3-related disorder. Also called: ADCY3-related condition.

gnomAD v4.1: 3 of 1,613,900 alleles (0.00019%); highest among the groups gnomAD compares: Non-Finnish European, 0.00025%; no homozygotes.

Submission:

PreventionGenetics, part of Exact Sciences
Classification: Uncertain significance for ADCY3-related condition. Last evaluated: 2026-06-12. Review status: criteria provided, single submitter. Criteria: ACMG Guidelines, 2015. Collection method: clinical testing. Allele origin: germline.
Comment: The ADCY3 c.2951C>T variant is predicted to result in the amino acid substitution p.Ala984Val. To our knowledge, this variant has not been reported in the literature or in a large population database (gnomAD), indicating this variant is rare. At this time, the clinical significance of this variant is uncertain due to the absence of conclusive functional and genetic evidence.